The following is an entry in ClinVar:

ClinVar aggregate classification (germline): Benign/Likely benign. Review status: criteria provided, multiple submitters, no conflicts (2 of 4 stars). 10 submissions from 9 submitters: Benign (9); Likely benign (1). Last evaluated 2026-02-04.

Conditions:
Lymphoma, non-Hodgkin, familial. Identifiers: MedGen C4721532, MONDO:0011508, OMIM 605027.
Familial hemophagocytic lymphohistiocytosis 2 (FHL2). Also called: PRF1-Related Familial Hemophagocytic Lymphohistiocytosis (PRF1-fHLH). Identifiers: Orphanet 540, MedGen C1863727, MONDO:0011337, OMIM 603553.

Allele frequency attached by ClinVar (database versions not stated): ESP Exome Variant Server 0.14785; ExAC 0.15821; gnomAD 0.16394; gnomAD exomes 0.16397 and 0.17955; 1000 Genomes Project 30x 0.11056; 1000 Genomes Project 0.11262; TOPMed 0.14092.

Submissions (10):

Labcorp Genetics (formerly Invitae), Labcorp
Classification: Benign for Familial hemophagocytic lymphohistiocytosis 2. Last evaluated: 2026-02-04. Review status: criteria provided, single submitter. Criteria: Invitae Variant Classification Sherloc (09022015). Collection method: clinical testing. Allele origin: germline.

KCCC/NGS Laboratory, Kuwait Cancer Control Center
Classification: Benign for Familial hemophagocytic lymphohistiocytosis 2. Last evaluated: 2025-02-01. Review status: criteria provided, single submitter. Criteria: ACMG Guidelines, 2015. Collection method: clinical testing. Allele origin: germline. Affected: no.

Blueprint Genetics
Classification: Likely benign. Last evaluated: 2024-11-27. Review status: criteria provided, single submitter. Criteria: ACMG Guidelines, 2015. Collection method: clinical testing. Allele origin: germline.

Unidad de Genómica Garrahan, Hospital de Pediatría Garrahan
Classification: Benign. Last evaluated: 2023-11-12. Review status: criteria provided, single submitter. Criteria: ACMG Guidelines, 2015. Collection method: clinical testing. Allele origin: germline. Affected: no. Observed: 32 variant alleles.
Comment: This variant is classified as Benign based on local population frequency. This variant was detected in 33% of patients studied by a panel of primary immunodeficiencies. Number of patients: 32. Only high quality variants are reported.

KCCC/NGS Laboratory, Kuwait Cancer Control Center
Classification: Benign for Lymphoma, non-Hodgkin, familial. Last evaluated: 2023-07-07. Review status: criteria provided, single submitter. Criteria: ACMG Guidelines, 2015. Collection method: clinical testing. Allele origin: germline. Affected: yes.

Mayo Clinic Laboratories, Mayo Clinic
Classification: Benign. Last evaluated: 2022-09-06. Review status: criteria provided, single submitter. Criteria: ACMG Guidelines, 2015. Collection method: clinical testing. Allele origin: germline. Observed: 317 variant alleles.

Illumina Laboratory Services, Illumina
Classification: Benign for Familial hemophagocytic lymphohistiocytosis 2. Last evaluated: 2018-01-12. Review status: criteria provided, single submitter. Criteria: ICSL Variant Classification Criteria 13 December 2019. Collection method: clinical testing. Allele origin: germline.
Comment: This variant was observed in the ICSL laboratory as part of a predisposition screen in an ostensibly healthy population. It had not been previously curated by ICSL or reported in the Human Gene Mutation Database (HGMD: prior to June 1st, 2018), and was therefore a candidate for classification through an automated scoring system. Utilizing variant allele frequency, disease prevalence and penetrance estimates, and inheritance mode, an automated score was calculated to assess if this variant is too frequent to cause the disease. Based on the score and internal cut-off values, a variant classified as benign is not then subjected to further curation. The score for this variant resulted in a classification of benign for this disease.

Laboratory for Molecular Medicine, Mass General Brigham Personalized Medicine
Classification: Benign. Last evaluated: 2016-03-29. Review status: criteria provided, single submitter. Criteria: LMM Criteria. Collection method: clinical testing. Allele origin: germline.
Comment: Variant identified in a genome or exome case(s) and assessed due to predicted null impact of the variant or pathogenic assertions in the literature or databases. Disclaimer: This variant has not undergone full assessment. The following are preliminary notes: Frequency

Breakthrough Genomics
Classification: Benign. Review status: criteria provided, single submitter. Criteria: ACMG Guidelines, 2015. Collection method: not provided. Allele origin: germline. Inheritance: Autosomal recessive inheritance. Affected: yes.

PreventionGenetics, part of Exact Sciences
Classification: Benign. Review status: criteria provided, single submitter. Criteria: ACMG Guidelines, 2015. Collection method: clinical testing. Allele origin: germline.

NM_001083116.3(PRF1):c.822C>T (p.Ala274=)

Gene: PRF1 (perforin 1; minus strand). Cytogenetic location: 10q22.1.
Variant type: single nucleotide variant.
Coding change: c.822C>T on transcript NM_001083116.3 (MANE Select); coding-DNA position 822, C replaced by T.
Protein change: p.Ala274=; no amino-acid change (alanine 274 retained).
Molecular consequence: synonymous variant.
Genome position (GRCh38, 1-based): chr10:70,598,899, G>A on the plus strand (C>T on the coding strand, the complement: PRF1 is on the minus strand). VCF-style: chr10-70598899-G-A. GRCh37 (hg19) VCF-style: chr10-72358655-G-A.
Other names: p.Ala274=; c.822C>T, p.Ala274= (NM_005041.6).
Identifiers: ClinVar variation 257408 (VCV000257408.25), dbSNP rs885821, ClinGen allele CA5538905.